The following is an entry in ClinVar:

ClinVar aggregate classification (germline): Conflicting classifications of pathogenicity. Review status: criteria provided, conflicting classifications (1 of 4 stars). 7 submissions from 7 submitters: Uncertain significance (1); Benign (5); Likely benign (1). Last evaluated 2025-12-26.

Conditions:
Developmental and epileptic encephalopathy, 42 (DEE42A). Also called: DEVELOPMENTAL AND EPILEPTIC ENCEPHALOPATHY 42A; EPILEPTIC ENCEPHALOPATHY, EARLY INFANTILE, 42A; Epileptic encephalopathy, early infantile, 42. Identifiers: MedGen C4310716, MONDO:0014917, OMIM 617106.
Episodic ataxia type 2 (EA2). Also called: ACETAZOLAMIDE-RESPONSIVE HEREDITARY PAROXYSMAL CEREBELLAR ATAXIA; ATAXIA, EPISODIC, WITH NYSTAGMUS; ATAXIA, FAMILIAL PAROXYSMAL; CEREBELLAR ATAXIA, PAROXYSMAL, ACETAZOLAMIDE-RESPONSIVE; CEREBELLOPATHY, HEREDITARY PAROXYSMAL; EPISODIC ATAXIA, NYSTAGMUS-ASSOCIATED. Identifiers: Orphanet 97, MedGen C1720416, MONDO:0007163, OMIM 108500.
Inborn genetic diseases. Identifiers: MedGen C0950123, MeSH D030342.

Allele frequency attached by ClinVar (database versions not stated): ESP Exome Variant Server 0.00049; 1000 Genomes Project 0.00060; 1000 Genomes Project 30x 0.00078; TOPMed 0.00097.
gnomAD v4.1: 380 of 1,492,082 alleles (0.025%); highest among the groups gnomAD compares: East Asian, 0.42%; no homozygotes.

Submissions (7):

Labcorp Genetics (formerly Invitae), Labcorp
Classification: Benign for Developmental and epileptic encephalopathy, 42; Episodic ataxia type 2. Last evaluated: 2025-12-26. Review status: criteria provided, single submitter. Criteria: Invitae Variant Classification Sherloc (09022015). Collection method: clinical testing. Allele origin: germline.

Blueprint Genetics
Classification: Likely benign. Last evaluated: 2024-11-13. Review status: criteria provided, single submitter. Criteria: ACMG Guidelines, 2015. Collection method: clinical testing. Allele origin: germline.

Mayo Clinic Laboratories, Mayo Clinic
Classification: Benign. Last evaluated: 2023-04-28. Review status: criteria provided, single submitter. Criteria: ACMG Guidelines, 2015. Collection method: clinical testing. Allele origin: germline. Observed: 3 variant alleles.
Comment: BS1, BS2, BP4, BP7

GeneDx
Classification: Benign. Last evaluated: 2019-08-09. Review status: criteria provided, single submitter. Criteria: GeneDx Variant Classification Process June 2021. Collection method: clinical testing. Allele origin: germline. Affected: yes.

Ambry Genetics
Classification: Benign for Inborn genetic diseases. Last evaluated: 2019-02-23. Review status: criteria provided, single submitter. Criteria: Ambry Variant Classification Scheme 2023. Collection method: clinical testing. Allele origin: germline.

Eurofins Ntd Llc (ga)
Classification: Uncertain significance. Last evaluated: 2017-06-27. Review status: criteria provided, single submitter. Criteria: EGL Classification Definitions 2015. Collection method: clinical testing. Allele origin: germline. Observed: 2 variant alleles, 2 heterozygotes.

Athena Diagnostics
Classification: Benign. Last evaluated: 2016-11-29. Review status: criteria provided, single submitter. Criteria: Athena Diagnostics Criteria. Collection method: clinical testing. Allele origin: germline.

NM_001127222.2(CACNA1A):c.3531C>A (p.Pro1177=)

Gene: CACNA1A (calcium voltage-gated channel subunit alpha1 A; minus strand). Cytogenetic location: 19p13.13.
Variant type: single nucleotide variant.
Coding change: c.3531C>A on transcript NM_001127222.2 (MANE Select); coding-DNA position 3531, C replaced by A.
Protein change: p.Pro1177=; no amino-acid change (proline 1177 retained).
Molecular consequence: synonymous variant.
Genome position (GRCh38, 1-based): chr19:13,286,525, G>T on the plus strand (C>A on the coding strand, the complement: CACNA1A is on the minus strand). VCF-style: chr19-13286525-G-T. GRCh37 (hg19) VCF-style: chr19-13397339-G-T.
Other names: p.Pro1178=; c.3543C>A, p.Pro1181= (NM_000068.4, NM_023035.3); c.3534C>A, p.Pro1178= (NM_001127221.2, NM_001174080.2).
Identifiers: ClinVar variation 283514 (VCV000283514.22), dbSNP rs184723350, ClinGen allele CA9240294.